The following is an entry in ClinVar:

ClinVar aggregate classification (germline): Uncertain significance (1 of 4 stars; one submission).

Conditions:
Hereditary diffuse gastric adenocarcinoma (HDGC). Also called: DIFFUSE GASTRIC AND LOBULAR BREAST CANCER SYNDROME. Identifiers: Orphanet 26106, MedGen C1708349, MONDO:0007648, OMIM 137215.

Submission:

Labcorp Genetics (formerly Invitae), Labcorp
Classification: Uncertain significance for Hereditary diffuse gastric adenocarcinoma. Last evaluated: 2023-10-22. Review status: criteria provided, single submitter. Criteria: Invitae Variant Classification Sherloc (09022015). Collection method: clinical testing. Allele origin: germline.
Comment: This sequence change falls in intron 7 of the CDH1 gene. It does not directly change the encoded amino acid sequence of the CDH1 protein. It affects a nucleotide within the consensus splice site. This variant is not present in population databases (gnomAD no frequency). This variant has not been reported in the literature in individuals affected with CDH1-related conditions. Variants that disrupt the consensus splice site are a relatively common cause of aberrant splicing (PMID: 17576681, 9536098). Algorithms developed to predict the effect of sequence changes on RNA splicing suggest that this variant may disrupt the consensus splice site. In summary, the available evidence is currently insufficient to determine the role of this variant in disease. Therefore, it has been classified as a Variant of Uncertain Significance.

Literature cited by the submitters: PubMed 17576681; PubMed 9536098.

NM_004360.5(CDH1):c.1009-3C>G

Gene: CDH1 (cadherin 1; plus strand). Cytogenetic location: 16q22.1.
Variant type: single nucleotide variant.
Coding change: c.1009-3C>G on transcript NM_004360.5 (MANE Select); 3 bases into the intron before coding-DNA position 1009, C replaced by G.
Molecular consequence: intron variant.
Genome position (GRCh38, 1-based): chr16:68,812,132, C>G. VCF-style: chr16-68812132-C-G. GRCh37 (hg19) VCF-style: chr16-68846035-C-G.
Other names: c.-607-3C>G (NM_001317185.2); c.-811-3C>G (NM_001317186.2); c.1009-3C>G (NM_001317184.2).
Identifiers: ClinVar variation 2770885 (VCV002770885.3), dbSNP rs2152132478, ClinGen allele CA2697555904.
Genomic context (GRCh38, chr16:68,812,132, plus strand): 5'-TGGGCTAGGCCAAAGGTGGCTAGTGTTCCTGGTCCTGACTTGGTTGTGTCGATCTCTCTG[C>G]AGAGTTTCCCTACGTATACCCTGGTGGTTCAAGCTGCTGACCTTCAAGGTGAGGGGTTAA-3'